The following is an entry in ClinVar:

ClinVar aggregate classification (germline): Likely benign (1 of 4 stars; one submission).

gnomAD v4.1: 5 of 1,598,434 alleles (0.00031%); highest among the groups gnomAD compares: Admixed American, 0.005%; no homozygotes.

Submission:

CeGaT Center for Human Genetics Tuebingen
Classification: Likely benign. Last evaluated: 2025-09-01. Review status: criteria provided, single submitter. Criteria: CeGaT Center For Human Genetics Tuebingen Variant Classification Criteria Version 2. Collection method: clinical testing. Allele origin: germline. Affected: yes. Observed: 1 variant allele.
Comment: TRRAP: BP4, BP7

NM_001375524.1(TRRAP):c.4089A>G (p.Val1363=)

Gene: TRRAP (transformation/transcription domain associated protein; plus strand). Cytogenetic location: 7q22.1.
Variant type: single nucleotide variant.
Coding change: c.4089A>G on transcript NM_001375524.1 (MANE Select); coding-DNA position 4089, A replaced by G.
Protein change: p.Val1363=; no amino-acid change (valine 1363 retained).
Molecular consequence: synonymous variant.
Genome position (GRCh38, 1-based): chr7:98,935,653, A>G. VCF-style: chr7-98935653-A-G. GRCh37 (hg19) VCF-style: chr7-98533276-A-G.
Other names: c.4089A>G, p.Val1363= (NM_001244580.2, NM_003496.4).
Identifiers: ClinVar variation 4281213 (VCV004281213.7).